The following is an entry in ClinVar:

NM_004859.4(CLTC):c.43C>G (p.Leu15Val)

Gene: CLTC (clathrin heavy chain; plus strand). Cytogenetic location: 17q23.1.
Variant type: single nucleotide variant.
Coding change: c.43C>G on transcript NM_004859.4 (MANE Select); coding-DNA position 43, C replaced by G.
Protein change: p.Leu15Val; replaces leucine 15 with valine.
Molecular consequence: missense variant.
Genome position (GRCh38, 1-based): chr17:59,644,276, C>G. VCF-style: chr17-59644276-C-G. GRCh37 (hg19) VCF-style: chr17-57721637-C-G.
Other names: c.43C>G, p.Leu15Val (NM_001288653.2); short protein forms L15V.
Identifiers: ClinVar variation 1927556 (VCV001927556.5), dbSNP rs934639246, ClinGen allele CA292132771.
Genomic context (GRCh38, chr17:59,644,276, plus strand): 5'-ATATGAATGTCAAGTCTTTGGAATCCACTTGGTAACATGGTTTCTTATTATTTTTTCTAG[C>G]TCCAGAACCTGGGTATCAACCCAGCAAACATTGGCTTCAGTACCCTGACTATGGAGTCTG-3'
Protein context (NP_004850.1, residues 5-25): LPIRFQEHLQ[Leu15Val]QNLGINPANI

ClinVar aggregate classification (germline): Uncertain significance (1 of 4 stars; one submission).

Submission:

Labcorp Genetics (formerly Invitae), Labcorp
Classification: Uncertain significance. Last evaluated: 2022-03-25. Review status: criteria provided, single submitter. Criteria: Invitae Variant Classification Sherloc (09022015). Collection method: clinical testing. Allele origin: germline.
Comment: In summary, the available evidence is currently insufficient to determine the role of this variant in disease. Therefore, it has been classified as a Variant of Uncertain Significance. Algorithms developed to predict the effect of missense changes on protein structure and function are either unavailable or do not agree on the potential impact of this missense change (SIFT: "Deleterious"; PolyPhen-2: "Not Available"; Align-GVGD: "Class C0"). This variant has not been reported in the literature in individuals affected with CLTC-related conditions. This variant is not present in population databases (gnomAD no frequency). This sequence change replaces leucine, which is neutral and non-polar, with valine, which is neutral and non-polar, at codon 15 of the CLTC protein (p.Leu15Val).